The following is an entry in ClinVar:

ClinVar aggregate classification (germline): Benign/Likely benign. Review status: criteria provided, multiple submitters, no conflicts (2 of 4 stars). 4 submissions from 4 submitters: Benign (1); Likely benign (3). Last evaluated 2026-07-13.

Conditions:
Hereditary cancer-predisposing syndrome. Also called: Hereditary Cancer Syndrome; Tumor predisposition; Hereditary neoplastic syndrome; Neoplastic Syndromes, Hereditary. Identifiers: Orphanet 140162, MedGen C0027672, MeSH D009386, MONDO:0015356.
Rhabdoid tumor predisposition syndrome 2 (RTPS2). Identifiers: Orphanet 231108, Orphanet 69077, MedGen C2750074, MONDO:0013224, OMIM 613325.

Allele frequency attached by ClinVar (database versions not stated): TOPMed 0.00001; ExAC 0.00001; gnomAD exomes 0.00001.
gnomAD v4.1: 10 of 1,613,206 alleles (0.00062%); highest among the groups gnomAD compares: African/African-American, 0.0013%; no homozygotes.

Submissions (4):

Myriad Genetics, Inc.
Classification: Benign for Rhabdoid tumor predisposition syndrome 2. Last evaluated: 2026-07-13. Review status: criteria provided, single submitter. Criteria: Myriad Autosomal Dominant, Autosomal Recessive and X-Linked Classification Criteria (2023). Collection method: clinical testing. Allele origin: unknown.
Comment: This variant is considered benign. This variant is a silent/synonymous amino acid change and it is not expected to impact splicing.

Labcorp Genetics (formerly Invitae), Labcorp
Classification: Likely benign for Rhabdoid tumor predisposition syndrome 2. Last evaluated: 2025-11-16. Review status: criteria provided, single submitter. Criteria: Invitae Variant Classification Sherloc (09022015). Collection method: clinical testing. Allele origin: germline.

Quest Diagnostics Nichols Institute San Juan Capistrano
Classification: Likely benign. Last evaluated: 2023-04-04. Review status: criteria provided, single submitter. Criteria: Quest Diagnostics criteria. Collection method: clinical testing. Allele origin: unknown.

Ambry Genetics
Classification: Likely benign for Hereditary cancer-predisposing syndrome. Last evaluated: 2016-11-25. Review status: criteria provided, single submitter. Criteria: Ambry Variant Classification Scheme 2023. Collection method: clinical testing. Allele origin: germline.

NM_003072.5(SMARCA4):c.2643C>T (p.Asp881=)

Gene: SMARCA4 (SWI/SNF related BAF chromatin remodeling complex subunit ATPase 4; plus strand). Cytogenetic location: 19p13.2.
Variant type: single nucleotide variant.
Coding change: c.2643C>T on transcript NM_003072.5 (MANE Select); coding-DNA position 2643, C replaced by T.
Protein change: p.Asp881=; no amino-acid change (aspartic acid 881 retained).
Molecular consequence: synonymous variant. On other transcripts: non-coding transcript variant (1).
Genome position (GRCh38, 1-based): chr19:11,021,751, C>T. VCF-style: chr19-11021751-C-T. GRCh37 (hg19) VCF-style: chr19-11132427-C-T.
Other names: c.2643C>T, p.Asp881= (NM_001128844.3, NM_001128845.2, NM_001128846.2 and 5 more transcripts).
Identifiers: ClinVar variation 238411 (VCV000238411.18), dbSNP rs766701688, ClinGen allele CA9204213.